The following is an entry in ClinVar:

NM_130468.4(CHST14):c.77C>T (p.Pro26Leu)

Genes: CHST14 (carbohydrate sulfotransferase 14; plus strand), LOC130056851 (ATAC-STARR-seq lymphoblastoid silent region 6336; plus strand). Cytogenetic location: 15q15.1.
Variant type: single nucleotide variant.
Coding change: c.77C>T on transcript NM_130468.4 (MANE Select); coding-DNA position 77, C replaced by T.
Protein change: p.Pro26Leu; replaces proline 26 with leucine.
Molecular consequence: missense variant.
Genome position (GRCh38, 1-based): chr15:40,471,290, C>T. VCF-style: chr15-40471290-C-T. GRCh37 (hg19) VCF-style: chr15-40763489-C-T.
Other names: short protein forms P26L.
Identifiers: ClinVar variation 656214 (VCV000656214.2), dbSNP rs1321331803, ClinGen allele CA391762099.

ClinVar aggregate classification (germline): Uncertain significance. Review status: criteria provided, multiple submitters, no conflicts (2 of 4 stars). 2 submissions from 2 submitters: Uncertain significance (2). Last evaluated 2024-06-22.

Conditions:
Ehlers-Danlos syndrome, musculocontractural type (EDSMC). Also called: Adducted thumb, clubfoot, progressive joint and skin laxity syndrome; DUNDAR SYNDROME; ADDUCTED THUMB-CLUBFOOT SYNDROME; ARTHROGRYPOSIS, DISTAL, WITH PECULIAR FACIES AND HYDRONEPHROSIS. Identifiers: Orphanet 2953, MedGen C1866294, MONDO:0011142.
Cardiovascular phenotype. Identifiers: MedGen CN230736.

Allele frequency attached by ClinVar (database versions not stated): gnomAD 0.00001.

Submissions (2):

Ambry Genetics
Classification: Uncertain significance for Cardiovascular phenotype. Last evaluated: 2024-06-22. Review status: criteria provided, single submitter. Criteria: Ambry Variant Classification Scheme 2023. Collection method: clinical testing. Allele origin: germline.
Comment: The p.P26L variant (also known as c.77C>T), located in coding exon 1 of the CHST14 gene, results from a C to T substitution at nucleotide position 77. The proline at codon 26 is replaced by leucine, an amino acid with similar properties. This amino acid position is conserved. In addition, this alteration is predicted to be tolerated by in silico analysis. Based on the available evidence, the clinical significance of this variant remains unclear.

Labcorp Genetics (formerly Invitae), Labcorp
Classification: Uncertain significance for Ehlers-Danlos syndrome, musculocontractural type. Last evaluated: 2018-10-16. Review status: criteria provided, single submitter. Criteria: Invitae Variant Classification Sherloc (09022015). Collection method: clinical testing. Allele origin: germline.
Comment: This sequence change replaces proline with leucine at codon 26 of the CHST14 protein (p.Pro26Leu). The proline residue is weakly conserved and there is a moderate physicochemical difference between proline and leucine. The frequency data for this variant in the population databases is considered unreliable, as metrics indicate insufficient coverage at this position in the ExAC database. This variant has not been reported in the literature in individuals with CHST14-related disease. Algorithms developed to predict the effect of missense changes on protein structure and function (SIFT, PolyPhen-2, Align-GVGD) all suggest that this variant is likely to be tolerated, but these predictions have not been confirmed by published functional studies and their clinical significance is uncertain. In summary, the available evidence is currently insufficient to determine the role of this variant in disease. Therefore, it has been classified as a Variant of Uncertain Significance.